The following is an entry in ClinVar:

ClinVar aggregate classification (germline): Uncertain significance (1 of 4 stars; one submission).

gnomAD v4.1: 2 of 1,614,068 alleles (0.00012%); highest among the groups gnomAD compares: Non-Finnish European, 0.00017%; no homozygotes.

Submission:

Labcorp Genetics (formerly Invitae), Labcorp
Classification: Uncertain significance. Last evaluated: 2026-01-05. Review status: criteria provided, single submitter. Criteria: Invitae Variant Classification Sherloc (09022015). Collection method: clinical testing. Allele origin: germline.
Comment: This sequence change replaces arginine, which is basic and polar, with glutamine, which is neutral and polar, at codon 687 of the ACACA protein (p.Arg687Gln). This variant is present in population databases (no rsID available, gnomAD 0.0009%). This variant has not been reported in the literature in individuals affected with ACACA-related conditions. An algorithm developed to predict the effect of missense changes on protein structure and function (PolyPhen-2) suggests that this variant is likely to be tolerated. In summary, the available evidence is currently insufficient to determine the role of this variant in disease. Therefore, it has been classified as a Variant of Uncertain Significance.

NM_198834.3(ACACA):c.2171G>A (p.Arg724Gln)

Gene: ACACA (acetyl-CoA carboxylase alpha; minus strand). Cytogenetic location: 17q12.
Variant type: single nucleotide variant.
Coding change: c.2171G>A on transcript NM_198834.3 (MANE Select); coding-DNA position 2171, G replaced by A.
Protein change: p.Arg724Gln; replaces arginine 724 with glutamine.
Molecular consequence: missense variant.
Genome position (GRCh38, 1-based): chr17:37,248,149, C>T on the plus strand (G>A on the coding strand, the complement: ACACA is on the minus strand). VCF-style: chr17-37248149-C-T. GRCh37 (hg19) VCF-style: chr17-35605073-C-T.
Other names: c.2060G>A, p.Arg687Gln (NM_198836.3, NM_198839.3); c.1886G>A, p.Arg629Gln (NM_198837.2); c.1826G>A, p.Arg609Gln (NM_198838.2); short protein forms R609Q, R629Q, R724Q, R687Q.
Identifiers: ClinVar variation 4694750 (VCV004694750.1).